The following is an entry in ClinVar:

ClinVar aggregate classification (germline): Conflicting classifications of pathogenicity. Review status: criteria provided, conflicting classifications (1 of 4 stars). 2 submissions from 2 submitters: Uncertain significance (1); Likely benign (1). Last evaluated 2026-06-03.

Conditions:
Hereditary cancer-predisposing syndrome. Also called: Tumor predisposition; Neoplastic Syndromes, Hereditary; Hereditary Cancer Syndrome; Hereditary neoplastic syndrome. Identifiers: Orphanet 140162, MedGen C0027672, MeSH D009386, MONDO:0015356.
Cardiovascular phenotype. Identifiers: MedGen CN230736.
Neurofibromatosis, type 1 (NF1). Also called: NEUROFIBROMATOSIS, TYPE I, SOMATIC; Peripheral type neurofibromatosis; VON RECKLINGHAUSEN DISEASE; Neurofibromatosis, type I. Identifiers: Orphanet 636, MedGen C0027831, MONDO:0018975, OMIM 162200. Disease mechanism: loss of function.

Allele frequency attached by ClinVar (database versions not stated): gnomAD exomes below 0.00001.

Submissions (2):

Ambry Genetics
Classification: Likely benign for Cardiovascular phenotype; Hereditary cancer-predisposing syndrome. Last evaluated: 2026-06-03. Review status: criteria provided, single submitter. Criteria: Ambry Variant Classification Scheme 2023. Collection method: clinical testing. Allele origin: germline.

Labcorp Genetics (formerly Invitae), Labcorp
Classification: Uncertain significance for Neurofibromatosis, type 1. Last evaluated: 2021-09-04. Review status: criteria provided, single submitter. Criteria: Invitae Variant Classification Sherloc (09022015). Collection method: clinical testing. Allele origin: germline.
Comment: In summary, the available evidence is currently insufficient to determine the role of this variant in disease. Therefore, it has been classified as a Variant of Uncertain Significance. This sequence change replaces lysine with asparagine at codon 50 of the NF1 protein (p.Lys50Asn). The lysine residue is highly conserved and there is a moderate physicochemical difference between lysine and asparagine. This variant is not present in population databases (ExAC no frequency). This variant has not been reported in the literature in individuals affected with NF1-related conditions. Algorithms developed to predict the effect of missense changes on protein structure and function are either unavailable or do not agree on the potential impact of this missense change (SIFT: "Deleterious"; PolyPhen-2: "Probably Damaging"; Align-GVGD: "Class C0").

NM_001042492.3(NF1):c.150G>C (p.Lys50Asn)

Gene: NF1 (neurofibromin 1; plus strand). Cytogenetic location: 17q11.2.
Variant type: single nucleotide variant.
Coding change: c.150G>C on transcript NM_001042492.3 (MANE Select); coding-DNA position 150, G replaced by C.
Protein change: p.Lys50Asn; replaces lysine 50 with asparagine.
Molecular consequence: missense variant.
Genome position (GRCh38, 1-based): chr17:31,156,072, G>C. VCF-style: chr17-31156072-G-C. GRCh37 (hg19) VCF-style: chr17-29483090-G-C.
Other names: c.150G>C, p.Lys50Asn (NM_000267.4, NM_001128147.3); short protein forms K50N.
Identifiers: ClinVar variation 1483204 (VCV001483204.7), dbSNP rs1597626037, ClinGen allele CA398988484.